The following is an entry in ClinVar:

ClinVar aggregate classification (germline): Uncertain significance (1 of 4 stars; one submission).

Conditions:
Ullrich congenital muscular dystrophy 2 (UCMD2). Identifiers: Orphanet 75840, MedGen C4225314, MONDO:0014654, OMIM 616470.
Bethlem myopathy 2 (BTHLM2). Identifiers: Orphanet 536516, Orphanet 610, MedGen C4225313, MONDO:0034022, OMIM 616471.

Allele frequency attached by ClinVar (database versions not stated): gnomAD exomes below 0.00001; TOPMed 0.00001.
gnomAD v4.1: 2 of 1,600,858 alleles (0.00012%); highest among the groups gnomAD compares: Non-Finnish European, 0.00017%; no homozygotes.

Submission:

Labcorp Genetics (formerly Invitae), Labcorp
Classification: Uncertain significance for Bethlem myopathy 2; Ullrich congenital muscular dystrophy 2. Last evaluated: 2023-12-19. Review status: criteria provided, single submitter. Criteria: Invitae Variant Classification Sherloc (09022015). Collection method: clinical testing. Allele origin: germline.
Comment: This sequence change replaces lysine, which is basic and polar, with glutamine, which is neutral and polar, at codon 2661 of the COL12A1 protein (p.Lys2661Gln). This variant is not present in population databases (gnomAD no frequency). This variant has not been reported in the literature in individuals affected with COL12A1-related conditions. ClinVar contains an entry for this variant (Variation ID: 1046669). Advanced modeling of protein sequence and biophysical properties (such as structural, functional, and spatial information, amino acid conservation, physicochemical variation, residue mobility, and thermodynamic stability) performed at Invitae indicates that this missense variant is not expected to disrupt COL12A1 protein function with a negative predictive value of 80%. In summary, the available evidence is currently insufficient to determine the role of this variant in disease. Therefore, it has been classified as a Variant of Uncertain Significance.

NM_004370.6(COL12A1):c.7981A>C (p.Lys2661Gln)

Gene: COL12A1 (collagen type XII alpha 1 chain; minus strand). Cytogenetic location: 6q13.
Variant type: single nucleotide variant.
Coding change: c.7981A>C on transcript NM_004370.6 (MANE Select); coding-DNA position 7981, A replaced by C.
Protein change: p.Lys2661Gln; replaces lysine 2661 with glutamine.
Molecular consequence: missense variant.
Genome position (GRCh38, 1-based): chr6:75,109,137, T>G on the plus strand (A>C on the coding strand, the complement: COL12A1 is on the minus strand). VCF-style: chr6-75109137-T-G. GRCh37 (hg19) VCF-style: chr6-75818853-T-G.
Other names: c.4489A>C, p.Lys1497Gln (NM_080645.3); short protein forms K2661Q, K1497Q.
Identifiers: ClinVar variation 1046669 (VCV001046669.7), dbSNP rs1768709126, ClinGen allele CA364741865.